The following is an entry in ClinVar:

ClinVar aggregate classification (germline): Uncertain significance (1 of 4 stars; one submission).

Submission:

GeneDx
Classification: Uncertain significance. Last evaluated: 2022-11-18. Review status: criteria provided, single submitter. Criteria: GeneDx Variant Classification Process June 2021. Collection method: clinical testing. Allele origin: germline. Affected: yes.
Comment: Frameshift variant predicted to result in protein truncation or nonsense mediated decay in a gene or region of a gene for which loss of function is not a well-established mechanism of disease; Not observed at significant frequency in large population cohorts (gnomAD); Has not been previously published as pathogenic or benign to our knowledge

NM_001128840.3(CACNA1D):c.3305dup (p.Trp1103fs)

Gene: CACNA1D (calcium voltage-gated channel subunit alpha1 D; plus strand). Cytogenetic location: 3p21.1.
Variant type: Duplication.
Coding change: c.3305dup on transcript NM_001128840.3 (MANE Select); coding-DNA position 3305, one base duplicated (G; older notation c.3305dupG).
Protein change: p.Trp1103fs; shifts the reading frame from tryptophan 1103.
Molecular consequence: frameshift variant.
Genome position (GRCh38, 1-based): chr3:53,747,439, G duplicated; the last of 3 consecutive G bases (chr3:53,747,437-53,747,439); duplicating any one gives the same sequence. VCF-style (leftmost placement, unchanged base first): chr3-53747436-A-AG. GRCh37 (hg19) VCF-style: chr3-53781463-A-AG.
Other names: c.3365dup, p.Trp1123fs (NM_000720.4); c.3305dup, p.Trp1103fs (NM_001128839.3); short protein forms W1103fs, W1123fs.
Identifiers: ClinVar variation 2502455 (VCV002502455.1), dbSNP rs2473960647, ClinGen allele CA2580616488.